The following is an entry in ClinVar:

ClinVar aggregate classification (germline): Uncertain significance. Review status: criteria provided, multiple submitters, no conflicts (2 of 4 stars). 4 submissions from 4 submitters: Uncertain significance (4). Last evaluated 2026-09-21.

Conditions:
Cardiovascular phenotype. Identifiers: MedGen CN230736.
Hypertrophic cardiomyopathy. Also called: HYPERTROPHIC MYOCARDIOPATHY. Identifiers: Orphanet 217569, MedGen C0007194, MeSH D002312, MONDO:0005045, HP:0001639.

Allele frequency attached by ClinVar (database versions not stated): TOPMed below 0.00001.

Submissions (4):

Molecular Diagnostic Laboratory for Inherited Cardiovascular Disease, Montreal Heart Institute
Classification: Uncertain significance for Cardiovascular phenotype. Last evaluated: 2026-09-21. Review status: criteria provided, single submitter. Criteria: ACMG Guidelines, 2015. Collection method: clinical testing. Allele origin: germline. Affected: yes.
Comment: PM2

Ambry Genetics
Classification: Uncertain significance for Cardiovascular phenotype. Last evaluated: 2026-03-11. Review status: criteria provided, single submitter. Criteria: Ambry Variant Classification Scheme 2023. Collection method: clinical testing. Allele origin: germline.
Comment: The p.G199D variant (also known as c.596G>A), located in coding exon 2 of the JPH2 gene, results from a G to A substitution at nucleotide position 596. The glycine at codon 199 is replaced by aspartic acid, an amino acid with similar properties. This amino acid position is conserved. In addition, this alteration is predicted to be deleterious by in silico analysis. Based on the available evidence, the clinical significance of this variant remains unclear.

Women's Health and Genetics/Laboratory Corporation of America, LabCorp
Classification: Uncertain significance. Last evaluated: 2025-11-26. Review status: criteria provided, single submitter. Criteria: LabCorp Variant Classification Summary - May 2015. Collection method: clinical testing. Allele origin: germline.
Comment: Variant summary: JPH2 c.596G>A (p.Gly199Asp) results in a non-conservative amino acid change in the encoded protein sequence. Algorithms developed to predict the effect of missense changes on protein structure and function all suggest that this variant is likely to be disruptive. The frequency data for this variant in gnomAD is considered unreliable, as metrics indicate poor data quality at this position. To our knowledge, no occurrence of c.596G>A in individuals affected with JPH2-related conditions and no experimental evidence demonstrating its impact on protein function have been reported. ClinVar contains an entry for this variant (Variation ID: 1461402). Based on the evidence outlined above, the variant was classified as uncertain significance.

Labcorp Genetics (formerly Invitae), Labcorp
Classification: Uncertain significance for Hypertrophic cardiomyopathy. Last evaluated: 2021-01-06. Review status: criteria provided, single submitter. Criteria: Invitae Variant Classification Sherloc (09022015). Collection method: clinical testing. Allele origin: germline.
Comment: This variant has not been reported in the literature in individuals with JPH2-related conditions. Algorithms developed to predict the effect of missense changes on protein structure and function (SIFT, PolyPhen-2, Align-GVGD) all suggest that this variant is likely to be disruptive, but these predictions have not been confirmed by published functional studies and their clinical significance is uncertain. In summary, the available evidence is currently insufficient to determine the role of this variant in disease. Therefore, it has been classified as a Variant of Uncertain Significance. This sequence change replaces glycine with aspartic acid at codon 199 of the JPH2 protein (p.Gly199Asp). The glycine residue is highly conserved and there is a moderate physicochemical difference between glycine and aspartic acid. The frequency data for this variant in the population databases is considered unreliable, as metrics indicate insufficient coverage at this position in the ExAC database.

NM_020433.5(JPH2):c.596G>A (p.Gly199Asp)

Gene: JPH2 (junctophilin 2; minus strand). Cytogenetic location: 20q13.12.
Variant type: single nucleotide variant.
Coding change: c.596G>A on transcript NM_020433.5 (MANE Select); coding-DNA position 596, G replaced by A.
Protein change: p.Gly199Asp; replaces glycine 199 with aspartic acid.
Molecular consequence: missense variant.
Genome position (GRCh38, 1-based): chr20:44,160,191, C>T on the plus strand (G>A on the coding strand, the complement: JPH2 is on the minus strand). VCF-style: chr20-44160191-C-T. GRCh37 (hg19) VCF-style: chr20-42788831-C-T.
Other names: c.596G>A (NM_020433.4); short protein forms G199D.
Identifiers: ClinVar variation 1461402 (VCV001461402.11), dbSNP rs2072599448, ClinGen allele CA409094068.